The following is an entry in ClinVar:

NM_002609.4(PDGFRB):c.3205G>T (p.Glu1069Ter)

Gene: PDGFRB (platelet derived growth factor receptor beta; minus strand). Cytogenetic location: 5q32.
Variant type: single nucleotide variant.
Coding change: c.3205G>T on transcript NM_002609.4 (MANE Select); coding-DNA position 3205, G replaced by T.
Protein change: p.Glu1069Ter; replaces glutamic acid 1069 with a stop codon.
Molecular consequence: nonsense.
Genome position (GRCh38, 1-based): chr5:150,115,879, C>A on the plus strand (G>T on the coding strand, the complement: PDGFRB is on the minus strand). VCF-style: chr5-150115879-C-A. GRCh37 (hg19) VCF-style: chr5-149495442-C-A.
Other names: c.3013G>T, p.Glu1005Ter (NM_001355016.2); c.2722G>T, p.Glu908Ter (NM_001355017.2); short protein forms E1005*, E1069*, E908*.
Identifiers: ClinVar variation 3774518 (VCV003774518.1).

ClinVar aggregate classification (germline): Uncertain significance (1 of 4 stars; one submission).

Submission:

Clinical Genomics Laboratory, Washington University in St. Louis
Classification: Uncertain significance. Last evaluated: 2024-10-27. Review status: criteria provided, single submitter. Criteria: Leon-Quintero et al. (Clin Genet. 2025). Collection method: clinical testing. Allele origin: somatic.
Comment: A PDGFRB c.3205G>T (p.Glu1069*) variant was identified at an allelic fraction consistent with somatic origin. This variant, to our knowledge, has not been reported in the medical literature. This variant is absent from general population (gnomAD v4.1.0), indicating it is not a common variant. This variant creates a premature termination codon; however, because this occurs in the last exon, this is not predicted to lead to nonsense mediated decay.Due to limited information, and based on internally developed protocol informed by the ACMG/AMP guidelines for variant interpretation and gene-specific practices from the ClinGen Criteria Specification Registry (Leon-Quintero FZ et al., PMID: 39434542), the clinical significance of this variant is uncertain at this time.